The following is an entry in ClinVar:

NM_001113378.2(FANCI):c.3836T>C (p.Met1279Thr)

Gene: FANCI (FA complementation group I; plus strand). Cytogenetic location: 15q26.1.
Variant type: single nucleotide variant.
Coding change: c.3836T>C on transcript NM_001113378.2 (MANE Select); coding-DNA position 3836, T replaced by C.
Protein change: p.Met1279Thr; replaces methionine 1279 with threonine.
Molecular consequence: missense variant.
Genome position (GRCh38, 1-based): chr15:89,315,301, T>C. VCF-style: chr15-89315301-T-C. GRCh37 (hg19) VCF-style: chr15-89858532-T-C.
Other names: c.3557T>C, p.Met1186Thr (NM_001376910.1); c.3836T>C, p.Met1279Thr (NM_001376911.1); c.3656T>C, p.Met1219Thr (NM_018193.3); short protein forms M1186T, M1219T, M1279T.
Identifiers: ClinVar variation 2113040 (VCV002113040.4), dbSNP rs2055184533, ClinGen allele CA393744577.

ClinVar aggregate classification (germline): Uncertain significance (1 of 4 stars; one submission).

Conditions:
Fanconi anemia (FA). Also called: Fanconi's anemia. Identifiers: Orphanet 84, MedGen C0015625, MeSH D005199, MONDO:0019391.

Submission:

Labcorp Genetics (formerly Invitae), Labcorp
Classification: Uncertain significance for Fanconi anemia. Last evaluated: 2023-11-27. Review status: criteria provided, single submitter. Criteria: Invitae Variant Classification Sherloc (09022015). Collection method: clinical testing. Allele origin: germline.
Comment: This sequence change replaces methionine, which is neutral and non-polar, with threonine, which is neutral and polar, at codon 1279 of the FANCI protein (p.Met1279Thr). This variant is not present in population databases (gnomAD no frequency). This variant has not been reported in the literature in individuals affected with FANCI-related conditions. ClinVar contains an entry for this variant (Variation ID: 2113040). An algorithm developed to predict the effect of missense changes on protein structure and function (PolyPhen-2) suggests that this variant is likely to be tolerated. In summary, the available evidence is currently insufficient to determine the role of this variant in disease. Therefore, it has been classified as a Variant of Uncertain Significance.